The following is an entry in ClinVar:

NM_001318852.2(MAPK8IP3):c.3348T>C (p.His1116=)

Gene: MAPK8IP3 (mitogen-activated protein kinase 8 interacting protein 3; plus strand). Cytogenetic location: 16p13.3.
Variant type: single nucleotide variant.
Coding change: c.3348T>C on transcript NM_001318852.2 (MANE Select); coding-DNA position 3348, T replaced by C.
Protein change: p.His1116=; no amino-acid change (histidine 1116 retained).
Molecular consequence: synonymous variant.
Genome position (GRCh38, 1-based): chr16:1,767,674, T>C. VCF-style: chr16-1767674-T-C. GRCh37 (hg19) VCF-style: chr16-1817675-T-C.
Other names: c.3327T>C, p.His1109= (NM_001040439.2); c.3345T>C, p.His1115= (NM_015133.5, NM_033392.3).
Identifiers: ClinVar variation 3031905 (VCV003031905.3), dbSNP rs572840788, ClinGen allele CA7817644.
Genomic context (GRCh38, chr16:1,767,674, plus strand): 5'-GTGGATCGGCGATGGCGTATGGGTGTCCATCCGCCTGGACTCCACCCTGAGGCTCTACCA[T>C]GCACACACGCACCAGCATCTACAGGACGTGGACATTGAGCCCTACGTCAGCAAGATGCTA-3'
Protein context (NP_001305781.1, residues 1106-1126): IRLDSTLRLY[His1116=]AHTHQHLQDV

ClinVar aggregate classification (germline): Likely benign. Review status: criteria provided, single submitter (1 of 4 stars). 2 submissions from 2 submitters: Likely benign (1). 1 of the submissions does not count toward it. Last evaluated 2024-11-07.

Conditions:
MAPK8IP3-related disorder. Also called: MAPK8IP3-related condition.

Allele frequency attached by ClinVar (database versions not stated): TOPMed 0.00001; gnomAD 0.00007; gnomAD exomes 0.00011; ExAC 0.00036; 1000 Genomes Project 30x 0.00047; 1000 Genomes Project 0.00060.
gnomAD v4.1: 167 of 1,612,728 alleles (0.01%); highest among the groups gnomAD compares: South Asian, 0.17%; no homozygotes.

Submissions (2):

Blueprint Genetics
Classification: Likely benign. Last evaluated: 2024-11-07. Review status: criteria provided, single submitter. Criteria: ACMG Guidelines, 2015. Collection method: clinical testing. Allele origin: germline.

PreventionGenetics, part of Exact Sciences
Classification: Likely benign for MAPK8IP3-related condition. Last evaluated: 2023-09-15. Review status: no assertion criteria provided. Collection method: clinical testing. Allele origin: germline. Not counted in ClinVar's aggregate classification.
Comment: This variant is classified as likely benign based on ACMG/AMP sequence variant interpretation guidelines (Richards et al. 2015 PMID: 25741868, with internal and published modifications).